The following is an entry in ClinVar:

NM_001253852.3(AP4B1):c.211T>C (p.Tyr71His)

Gene: AP4B1 (adaptor related protein complex 4 subunit beta 1; minus strand). Cytogenetic location: 1p13.2.
Variant type: single nucleotide variant.
Coding change: c.211T>C on transcript NM_001253852.3 (MANE Select); coding-DNA position 211, T replaced by C.
Protein change: p.Tyr71His; replaces tyrosine 71 with histidine.
Molecular consequence: missense variant. On other transcripts: intron variant (2).
Genome position (GRCh38, 1-based): chr1:113,902,765, A>G on the plus strand (T>C on the coding strand, the complement: AP4B1 is on the minus strand). VCF-style: chr1-113902765-A-G. GRCh37 (hg19) VCF-style: chr1-114445387-A-G.
Other names: c.211T>C, p.Tyr71His (NM_006594.5); c.-56-31T>C (NM_001253853.3); c.113+1840T>C (NM_001308312.2); short protein forms Y71H.
Identifiers: ClinVar variation 1016510 (VCV001016510.8), dbSNP rs1186934233, ClinGen allele CA341691600.
Genomic context (GRCh38, chr1:113,902,765, plus strand): 5'-ACAGCGTATTGATGGCCAGGAGAGCCAGATCTGGTTTCAGGGGAGCATATGTGCACATGT[A>G]CAGATAAACCAACTTCTTCTGGACAATATCTACAGTGGCACTGGCCTTCACCATTTCCAT-3'
Protein context (NP_001240781.1, residues 61-81): DIVQKKLVYL[Tyr71His]MCTYAPLKPD

ClinVar aggregate classification (germline): Uncertain significance (1 of 4 stars; one submission).

Conditions:
Hereditary spastic paraplegia 47. Also called: CEREBRAL PALSY, SPASTIC QUADRIPLEGIC, 5; adaptor protein 4 (AP-4) deficiency syndrome; Spastic paraplegia 47, autosomal recessive. Identifiers: Orphanet 280763, MedGen C3279738, MONDO:0013551, OMIM 614066.

Allele frequency attached by ClinVar (database versions not stated): gnomAD exomes below 0.00001 and 0.00001; TOPMed below 0.00001; gnomAD 0.00001.
gnomAD v4.1: 20 of 1,614,132 alleles (0.0012%); highest among the groups gnomAD compares: Non-Finnish European, 0.0017%; no homozygotes.

Submission:

Labcorp Genetics (formerly Invitae), Labcorp
Classification: Uncertain significance for Hereditary spastic paraplegia 47. Last evaluated: 2022-09-12. Review status: criteria provided, single submitter. Criteria: Invitae Variant Classification Sherloc (09022015). Collection method: clinical testing. Allele origin: germline.
Comment: Advanced modeling of protein sequence and biophysical properties (such as structural, functional, and spatial information, amino acid conservation, physicochemical variation, residue mobility, and thermodynamic stability) performed at Invitae indicates that this missense variant is expected to disrupt AP4B1 protein function. In summary, the available evidence is currently insufficient to determine the role of this variant in disease. Therefore, it has been classified as a Variant of Uncertain Significance. ClinVar contains an entry for this variant (Variation ID: 1016510). This variant has not been reported in the literature in individuals affected with AP4B1-related conditions. This variant is present in population databases (no rsID available, gnomAD 0.0009%). This sequence change replaces tyrosine, which is neutral and polar, with histidine, which is basic and polar, at codon 71 of the AP4B1 protein (p.Tyr71His).